The following is an entry in ClinVar:

NM_004447.6(EPS8):c.1465G>A (p.Asp489Asn)

Gene: EPS8 (EGFR pathway substrate 8, signaling adaptor; minus strand). Cytogenetic location: 12p12.3.
Variant type: single nucleotide variant.
Coding change: c.1465G>A on transcript NM_004447.6 (MANE Select); coding-DNA position 1465, G replaced by A.
Protein change: p.Asp489Asn; replaces aspartic acid 489 with asparagine.
Molecular consequence: missense variant. On other transcripts: non-coding transcript variant (3).
Genome position (GRCh38, 1-based): chr12:15,647,230, C>T on the plus strand (G>A on the coding strand, the complement: EPS8 is on the minus strand). VCF-style: chr12-15647230-C-T. GRCh37 (hg19) VCF-style: chr12-15800164-C-T.
Other names: c.1465G>A, p.Asp489Asn (NM_001413831.1, NM_001413832.1, NM_001413833.1 and 1 more transcripts); c.1225G>A, p.Asp409Asn (NM_001413835.1, NM_001413836.1); c.1048G>A, p.Asp350Asn (NM_001413837.1); c.685G>A, p.Asp229Asn (NM_001413838.1); short protein forms D229N, D350N, D409N, D489N.
Identifiers: ClinVar variation 3340969 (VCV003340969.2).

ClinVar aggregate classification (germline): Uncertain significance (1 of 4 stars; one submission).

gnomAD v4.1: 115 of 1,613,330 alleles (0.0071%); highest among the groups gnomAD compares: Middle Eastern, 0.05%; no homozygotes.

Submission:

GeneDx
Classification: Uncertain significance. Last evaluated: 2026-04-01. Review status: criteria provided, single submitter. Criteria: GeneDx Variant Classification Process June 2021. Collection method: clinical testing. Allele origin: germline.
Comment: In silico analysis suggests that this missense variant does not alter protein structure/function; Has not been previously published as pathogenic or benign to our knowledge